The following is an entry in ClinVar:

NM_080669.6(SLC46A1):c.821T>A (p.Ile274Asn)

Gene: SLC46A1 (solute carrier family 46 member 1; minus strand). Cytogenetic location: 17q11.2.
Variant type: single nucleotide variant.
Coding change: c.821T>A on transcript NM_080669.6 (MANE Select); coding-DNA position 821, T replaced by A.
Protein change: p.Ile274Asn; replaces isoleucine 274 with asparagine.
Molecular consequence: missense variant.
Genome position (GRCh38, 1-based): chr17:28,404,876, A>T on the plus strand (T>A on the coding strand, the complement: SLC46A1 is on the minus strand). VCF-style: chr17-28404876-A-T. GRCh37 (hg19) VCF-style: chr17-26731894-A-T.
Other names: c.821T>A, p.Ile274Asn (NM_001242366.3); short protein forms I274N.
Identifiers: ClinVar variation 1517360 (VCV001517360.6), dbSNP rs1224823802, ClinGen allele CA398348237.
Genomic context (GRCh38, chr17:28,404,876, plus strand): 5'-CTTAGTTCATAAAGGGTTAAGATGTCCTGGGCCCCAAAGTGCACAGTGATCACCACGAAG[A>T]TGGCCAGTGAGTAGAGGGCTAAATGTTTCCTGGACTTCTCTGGGGCGGGAGCCACATAGA-3'
Protein context (NP_542400.2, residues 264-284): RKHLALYSLA[Ile274Asn]FVVITVHFGA

ClinVar aggregate classification (germline): Uncertain significance (1 of 4 stars; one submission).

Allele frequency attached by ClinVar (database versions not stated): gnomAD exomes 0.00001; TOPMed 0.00002.
gnomAD v4.1: 5 of 1,614,026 alleles (0.00031%); highest among the groups gnomAD compares: Non-Finnish European, 0.00042%; no homozygotes.

Submission:

Labcorp Genetics (formerly Invitae), Labcorp
Classification: Uncertain significance. Last evaluated: 2022-11-08. Review status: criteria provided, single submitter. Criteria: Invitae Variant Classification Sherloc (09022015). Collection method: clinical testing. Allele origin: germline.
Comment: This sequence change replaces isoleucine, which is neutral and non-polar, with asparagine, which is neutral and polar, at codon 274 of the SLC46A1 protein (p.Ile274Asn). This variant is not present in population databases (gnomAD no frequency). In summary, the available evidence is currently insufficient to determine the role of this variant in disease. Therefore, it has been classified as a Variant of Uncertain Significance. Advanced modeling of protein sequence and biophysical properties (such as structural, functional, and spatial information, amino acid conservation, physicochemical variation, residue mobility, and thermodynamic stability) performed at Invitae indicates that this missense variant is not expected to disrupt SLC46A1 protein function. ClinVar contains an entry for this variant (Variation ID: 1517360). This variant has not been reported in the literature in individuals affected with SLC46A1-related conditions.